The following is an entry in ClinVar:

ClinVar aggregate classification (germline): Uncertain significance (1 of 4 stars; one submission).

Conditions:
Familial adenomatous polyposis 1 (FAP1). Also called: FAMILIAL ADENOMATOUS POLYPOSIS 1, ATTENUATED; POLYPOSIS, ADENOMATOUS INTESTINAL. Identifiers: MedGen C2713442, MONDO:0021056, OMIM 175100. Disease mechanism: loss of function.

Submission:

Labcorp Genetics (formerly Invitae), Labcorp
Classification: Uncertain significance for Familial adenomatous polyposis 1. Last evaluated: 2023-11-02. Review status: criteria provided, single submitter. Criteria: Invitae Variant Classification Sherloc (09022015). Collection method: clinical testing. Allele origin: germline.
Comment: This sequence change replaces serine, which is neutral and polar, with proline, which is neutral and non-polar, at codon 1356 of the APC protein (p.Ser1356Pro). This variant is not present in population databases (gnomAD no frequency). This variant has not been reported in the literature in individuals affected with APC-related conditions. Advanced modeling of protein sequence and biophysical properties (such as structural, functional, and spatial information, amino acid conservation, physicochemical variation, residue mobility, and thermodynamic stability) performed at Invitae indicates that this missense variant is not expected to disrupt APC protein function with a negative predictive value of 95%. In summary, the available evidence is currently insufficient to determine the role of this variant in disease. Therefore, it has been classified as a Variant of Uncertain Significance.

NM_000038.6(APC):c.4066T>C (p.Ser1356Pro)

Gene: APC (APC regulator of Wnt signaling pathway; plus strand). Cytogenetic location: 5q22.2.
Variant type: single nucleotide variant.
Coding change: c.4066T>C on transcript NM_000038.6 (MANE Select); coding-DNA position 4066, T replaced by C.
Protein change: p.Ser1356Pro; replaces serine 1356 with proline.
Molecular consequence: missense variant. On other transcripts: non-coding transcript variant (2).
Genome position (GRCh38, 1-based): chr5:112,839,660, T>C. VCF-style: chr5-112839660-T-C. GRCh37 (hg19) VCF-style: chr5-112175357-T-C.
Other names: c.4066T>C, p.Ser1356Pro (NM_001127510.3, NM_001354895.2, NM_001407450.1); c.4012T>C, p.Ser1338Pro (NM_001127511.3); c.4120T>C, p.Ser1374Pro (NM_001354896.2, NM_001407447.1, NM_001407448.1 and 1 more transcripts); c.4096T>C, p.Ser1366Pro (NM_001354897.2); c.3991T>C, p.Ser1331Pro (NM_001354898.2); c.3982T>C, p.Ser1328Pro (NM_001354899.2); c.3943T>C, p.Ser1315Pro (NM_001354900.2); c.3889T>C, p.Ser1297Pro (NM_001354901.2, NM_001407453.1); and 11 more; short protein forms S1297P, S1346P, S1073P, S1196P, S1265P, S1349P, S1374P, S1384P.
Identifiers: ClinVar variation 2848731 (VCV002848731.3), dbSNP rs2149905449, ClinGen allele CA16030242.
Genomic context (GRCh38, chr5:112,839,660, plus strand): 5'-AGACTGCAGGGTTCTAGTTTATCTTCAGAATCAGCCAGGCACAAAGCTGTTGAATTTTCT[T>C]CAGGAGCGAAATCTCCCTCCAAAAGTGGTGCTCAGACACCCAAAAGTCCACCTGAACACT-3'
Protein context (NP_000029.2, residues 1346-1366): SARHKAVEFS[Ser1356Pro]GAKSPSKSGA